The following is an entry in ClinVar:

NM_030962.4(SBF2):c.4143G>T (p.Glu1381Asp)

Gene: SBF2 (SET binding factor 2; minus strand). Cytogenetic location: 11p15.4.
Variant type: single nucleotide variant.
Coding change: c.4143G>T on transcript NM_030962.4 (MANE Select); coding-DNA position 4143, G replaced by T.
Protein change: p.Glu1381Asp; replaces glutamic acid 1381 with aspartic acid.
Molecular consequence: missense variant.
Genome position (GRCh38, 1-based): chr11:9,812,544, C>A on the plus strand (G>T on the coding strand, the complement: SBF2 is on the minus strand). VCF-style: chr11-9812544-C-A. GRCh37 (hg19) VCF-style: chr11-9834091-C-A.
Other names: c.4239G>T, p.Glu1413Asp (NM_001386339.1); c.4014G>T, p.Glu1338Asp (NM_001386342.1); c.4179G>T, p.Glu1393Asp (NM_001424318.1, NM_001425070.1); c.4038G>T, p.Glu1346Asp (NM_001425069.1); short protein forms E1338D, E1393D, E1413D, E1346D, E1381D.
Identifiers: ClinVar variation 4701663 (VCV004701663.1).
Genomic context (GRCh38, chr11:9,812,544, plus strand): 5'-GCCTCTGTTTCTTTGAGTTATAAAGAAAGAAGCTGCTTCAGACATTACCTGTGGGAACCA[C>A]TCAGAATCTCCCAGCGCTTTCAGGAAGGTCACTTCTGAGTCAGTAGGGATGGTGCTTGGG-3'
Protein context (NP_112224.1, residues 1371-1391): VTFLKALGDS[Glu1381Asp]WFPQLHRIMQ

ClinVar aggregate classification (germline): Uncertain significance (1 of 4 stars; one submission).

Conditions:
Charcot-Marie-Tooth disease type 4. Also called: Charcot-Marie-Tooth disease, type IV; Charcot-Marie-Tooth, Type 4. Identifiers: Orphanet 64749, MedGen C4082197, MONDO:0018995.

gnomAD v4.1: 2 of 1,614,062 alleles (0.00012%); highest among the groups gnomAD compares: East Asian, 0.0022%; no homozygotes.

Submission:

Labcorp Genetics (formerly Invitae), Labcorp
Classification: Uncertain significance for Charcot-Marie-Tooth disease type 4. Last evaluated: 2025-08-29. Review status: criteria provided, single submitter. Criteria: Invitae Variant Classification Sherloc (09022015). Collection method: clinical testing. Allele origin: germline.
Comment: This sequence change replaces glutamic acid, which is acidic and polar, with aspartic acid, which is acidic and polar, at codon 1381 of the SBF2 protein (p.Glu1381Asp). This variant is present in population databases (no rsID available, gnomAD 0.06%). This variant has not been reported in the literature in individuals affected with SBF2-related conditions. Invitae Evidence Modeling of protein sequence and biophysical properties (such as structural, functional, and spatial information, amino acid conservation, physicochemical variation, residue mobility, and thermodynamic stability) indicates that this missense variant is not expected to disrupt SBF2 protein function with a negative predictive value of 80%. In summary, the available evidence is currently insufficient to determine the role of this variant in disease. Therefore, it has been classified as a Variant of Uncertain Significance.